The following is an entry in ClinVar:

NM_024589.3(ROGDI):c.646-6C>G

Gene: ROGDI (rogdi atypical leucine zipper; minus strand). Cytogenetic location: 16p13.3.
Variant type: single nucleotide variant.
Coding change: c.646-6C>G on transcript NM_024589.3 (MANE Select); 6 bases into the intron before coding-DNA position 646, C replaced by G.
Molecular consequence: intron variant.
Genome position (GRCh38, 1-based): chr16:4,797,993, G>C on the plus strand (C>G on the coding strand, the complement: ROGDI is on the minus strand). VCF-style: chr16-4797993-G-C. GRCh37 (hg19) VCF-style: chr16-4847994-G-C.
Identifiers: ClinVar variation 1405452 (VCV001405452.7), dbSNP rs200792197, ClinGen allele CA7882573.

ClinVar aggregate classification (germline): Uncertain significance (1 of 4 stars; one submission).

Conditions:
Amelocerebrohypohidrotic syndrome (KTZS). Also called: Kohlschutter's syndrome; EPILEPSY AND YELLOW TEETH; EPILEPSY, DEMENTIA, AND AMELOGENESIS IMPERFECTA; KOHLSCHUTTER SYNDROME. Identifiers: Orphanet 1946, MedGen C0406740, MONDO:0009185, OMIM 226750.

Allele frequency attached by ClinVar (database versions not stated): ExAC 0.00001; TOPMed 0.00001; gnomAD exomes 0.00002.
gnomAD v4.1: 7 of 1,612,100 alleles (0.00043%); highest among the groups gnomAD compares: Middle Eastern, 0.017%; no homozygotes.

Submission:

Labcorp Genetics (formerly Invitae), Labcorp
Classification: Uncertain significance for Amelocerebrohypohidrotic syndrome. Last evaluated: 2022-07-25. Review status: criteria provided, single submitter. Criteria: Invitae Variant Classification Sherloc (09022015). Collection method: clinical testing. Allele origin: germline.
Comment: Algorithms developed to predict the effect of sequence changes on RNA splicing suggest that this variant may disrupt the consensus splice site. In summary, the available evidence is currently insufficient to determine the role of this variant in disease. Therefore, it has been classified as a Variant of Uncertain Significance. ClinVar contains an entry for this variant (Variation ID: 1405452). This variant has not been reported in the literature in individuals affected with ROGDI-related conditions. This variant is present in population databases (rs200792197, gnomAD 0.006%). This sequence change falls in intron 8 of the ROGDI gene. It does not directly change the encoded amino acid sequence of the ROGDI protein.